The following is an entry in ClinVar:

NM_012213.3(MLYCD):c.190G>A (p.Ala64Thr)

Gene: MLYCD (malonyl-CoA decarboxylase; plus strand). Cytogenetic location: 16q23.3.
Variant type: single nucleotide variant.
Coding change: c.190G>A on transcript NM_012213.3 (MANE Select); coding-DNA position 190, G replaced by A.
Protein change: p.Ala64Thr; replaces alanine 64 with threonine.
Molecular consequence: missense variant.
Genome position (GRCh38, 1-based): chr16:83,899,334, G>A. VCF-style: chr16-83899334-G-A. GRCh37 (hg19) VCF-style: chr16-83932939-G-A.
Other names: short protein forms A64T.
Identifiers: ClinVar variation 1345333 (VCV001345333.8), dbSNP rs2151053170, ClinGen allele CA396917824.

ClinVar aggregate classification (germline): Uncertain significance (1 of 4 stars; one submission).

Conditions:
Deficiency of malonyl-CoA decarboxylase. Also called: Malonic aciduria; MCD deficiency. Identifiers: Orphanet 943, MedGen C0342793, MONDO:0009556, OMIM 248360.

Submission:

Labcorp Genetics (formerly Invitae), Labcorp
Classification: Uncertain significance for Deficiency of malonyl-CoA decarboxylase. Last evaluated: 2021-12-03. Review status: criteria provided, single submitter. Criteria: Invitae Variant Classification Sherloc (09022015). Collection method: clinical testing. Allele origin: germline.
Comment: This sequence change replaces alanine, which is neutral and non-polar, with threonine, which is neutral and polar, at codon 64 of the MLYCD protein (p.Ala64Thr). This variant is not present in population databases (gnomAD no frequency). This variant has not been reported in the literature in individuals affected with MLYCD-related conditions. Algorithms developed to predict the effect of missense changes on protein structure and function (SIFT, PolyPhen-2, Align-GVGD) all suggest that this variant is likely to be tolerated. In summary, the available evidence is currently insufficient to determine the role of this variant in disease. Therefore, it has been classified as a Variant of Uncertain Significance.